The following is an entry in ClinVar:

NM_144668.6(CFAP251):c.123del (p.Asp42fs)

Gene: CFAP251 (cilia and flagella associated protein 251; plus strand). Cytogenetic location: 12q24.31.
Variant type: Deletion.
Coding change: c.123del on transcript NM_144668.6 (MANE Select); coding-DNA position 123, one base deleted (A; older notation c.123delA).
Protein change: p.Asp42fs; shifts the reading frame from aspartic acid 42.
Molecular consequence: frameshift variant.
Genome position (GRCh38, 1-based): chr12:121,921,428, A deleted; the last of 4 consecutive A bases (chr12:121,921,425-121,921,428); deleting any one gives the same sequence. VCF-style (leftmost placement, unchanged base first): chr12-121921424-CA-C. GRCh37 (hg19) VCF-style: chr12-122359330-CA-C.
Other names: c.123del, p.Asp42fs (NM_001178003.2); short protein forms D42fs.
Identifiers: ClinVar variation 548450 (VCV000548450.5), dbSNP rs749163856, ClinGen allele CA6840236.

ClinVar aggregate classification (germline): Pathogenic. Review status: no assertion criteria provided (0 of 4 stars). 2 submissions from 2 submitters: Pathogenic (2). Last evaluated 2024-03-04.

Conditions:
Spermatogenic failure 33. Identifiers: MedGen C4748395, MONDO:0029147, OMIM 618152.
Male infertility with teratozoospermia due to single gene mutation. Identifiers: Orphanet 399808, MedGen C4706677, MONDO:0018394.
Non-syndromic male infertility due to sperm motility disorder. Identifiers: Orphanet 276234, MedGen C0403811, MONDO:0017173.

Submissions (2):

OMIM
Classification: Pathogenic for SPERMATOGENIC FAILURE 33. Last evaluated: 2024-03-04. Review status: no assertion criteria provided. Collection method: literature only. Allele origin: germline.

Marseille Medical Genetics, U1251, Aix Marseille University, Inserm
Classification: Pathogenic for Non-syndromic male infertility due to sperm motility disorder; Male infertility with teratozoospermia due to single gene mutation. Last evaluated: 2018-06-29. Review status: no assertion criteria provided. Collection method: clinical testing. Allele origin: inherited. Inheritance: Autosomal recessive inheritance. Affected: yes. Observed: 1 variant allele, 1 homozygote.
Comment: Bialleleic rare loss-of-function variants in WDR66 have been described in two independent cases of asthenozoospermia with multiple morphologic abnormalities of the sperm flagellum. In one of these cases the p.Asp42Metfs*4 variant is homozygous in two affected brothers but heterozygous or absent in two unaffected brothers in a consanguineous family. The mitochondrial sheath was not studied in this case. In the second case, there is compound heterozygozity for p.Leu530Valfs*4 and p.Glu111*. In this second case a dysplasia of the mitochondrial sheath was described by immunofluorescence and electron microscopy (Auguste et al. 2018, article in revision).

Literature cited by the submitters: PubMed 30122541 (cited by OMIM).